The following is an entry in ClinVar:

ClinVar aggregate classification (germline): Uncertain significance. Review status: criteria provided, multiple submitters, no conflicts (2 of 4 stars). 2 submissions from 2 submitters: Uncertain significance (2). Last evaluated 2025-06-04.

Allele frequency attached by ClinVar (database versions not stated): TOPMed 0.00001; ExAC 0.00002; gnomAD exomes 0.00002; gnomAD 0.00003; ESP Exome Variant Server 0.00015.
gnomAD v4.1: 37 of 1,612,420 alleles (0.0023%); highest among the groups gnomAD compares: Non-Finnish European, 0.0027%; no homozygotes.

Submissions (2):

Labcorp Genetics (formerly Invitae), Labcorp
Classification: Uncertain significance. Last evaluated: 2025-06-04. Review status: criteria provided, single submitter. Criteria: Invitae Variant Classification Sherloc (09022015). Collection method: clinical testing. Allele origin: germline.
Comment: This sequence change replaces glutamic acid, which is acidic and polar, with lysine, which is basic and polar, at codon 233 of the C3 protein (p.Glu233Lys). This variant is present in population databases (rs373896614, gnomAD 0.004%). This missense change has been observed in individual(s) with macular degeneration (PMID: 29888403). ClinVar contains an entry for this variant (Variation ID: 1308249). Invitae Evidence Modeling of protein sequence and biophysical properties (such as structural, functional, and spatial information, amino acid conservation, physicochemical variation, residue mobility, and thermodynamic stability) indicates that this missense variant is not expected to disrupt C3 protein function with a negative predictive value of 80%. In summary, the available evidence is currently insufficient to determine the role of this variant in disease. Therefore, it has been classified as a Variant of Uncertain Significance.

GeneDx
Classification: Uncertain significance. Last evaluated: 2020-09-11. Review status: criteria provided, single submitter. Criteria: GeneDx Variant Classification Process June 2021. Collection method: clinical testing. Allele origin: germline. Affected: yes.
Comment: In silico analysis supports that this missense variant has a deleterious effect on protein structure/function; Identified in the heterozygous state in a patient with age-related macular degeneration (AMD), but it is unknown whether this individual was screened for variants in other genes associated with AMD (Geerlings et al., 2018); This variant is associated with the following publications: (PMID: 29888403)

Literature cited by the submitters: PubMed 29888403 (cited by Labcorp Genetics (formerly Invitae), Labcorp).

NM_000064.4(C3):c.697G>A (p.Glu233Lys)

Gene: C3 (complement C3; minus strand). Cytogenetic location: 19p13.3.
Variant type: single nucleotide variant.
Coding change: c.697G>A on transcript NM_000064.4 (MANE Select); coding-DNA position 697, G replaced by A.
Protein change: p.Glu233Lys; replaces glutamic acid 233 with lysine.
Molecular consequence: missense variant.
Genome position (GRCh38, 1-based): chr19:6,714,068, C>T on the plus strand (G>A on the coding strand, the complement: C3 is on the minus strand). VCF-style: chr19-6714068-C-T. GRCh37 (hg19) VCF-style: chr19-6714079-C-T.
Other names: short protein forms E233K.
Identifiers: ClinVar variation 1308249 (VCV001308249.9), dbSNP rs373896614, ClinGen allele CA9129706.
Genomic context (GRCh38, chr19:6,714,068, plus strand): 5'-CCTCCAGGCCCTTCTCGTTATAGATGTAGTAGAATTTCTCTGTAGGCTCCACTATGACCT[C>T]GAAACTGGGCAGCACTGGGGGAGAGATGGCGTTGGTGGGGCCGGCGCTGGGCCAGGCGTT-3'
Protein context (NP_000055.2, residues 223-243): EVKEYVLPSF[Glu233Lys]VIVEPTEKFY